The following is an entry in ClinVar:

ClinVar aggregate classification (germline): Likely benign. Review status: criteria provided, single submitter (1 of 4 stars). 2 submissions from 2 submitters: Likely benign (1). 1 of the submissions does not count toward it. Last evaluated 2024-11-28.

Conditions:
TBX1-related disorder. Also called: TBX1-related condition; TBX1-Related Disorders.

Allele frequency attached by ClinVar (database versions not stated): 1000 Genomes Project 30x 0.00094; 1000 Genomes Project 0.00120; gnomAD 0.00159.

Submissions (2):

Blueprint Genetics
Classification: Likely benign. Last evaluated: 2024-11-28. Review status: criteria provided, single submitter. Criteria: ACMG Guidelines, 2015. Collection method: clinical testing. Allele origin: germline.

PreventionGenetics, part of Exact Sciences
Classification: Likely benign for TBX1-related condition. Last evaluated: 2019-04-01. Review status: no assertion criteria provided. Collection method: clinical testing. Allele origin: germline. Not counted in ClinVar's aggregate classification.
Comment: This variant is classified as likely benign based on ACMG/AMP sequence variant interpretation guidelines (Richards et al. 2015 PMID: 25741868, with internal and published modifications).

NC_000022.11:g.19756062T>G

Gene: TBX1 (T-box transcription factor 1; plus strand). Cytogenetic location: 22q11.21.
Variant type: single nucleotide variant.
Genome position: GRCh38 VCF-style: chr22-19756062-T-G. GRCh37 (hg19) VCF-style: chr22-19743585-T-G.
Identifiers: ClinVar variation 3048259 (VCV003048259.3), dbSNP rs113945307, ClinGen allele CA322046575.